The following is an entry in ClinVar:

NM_001174150.2(ARL13B):c.709C>T (p.Gln237Ter)

Gene: ARL13B (ARF like GTPase 13B; plus strand). Cytogenetic location: 3q11.2.
Variant type: single nucleotide variant.
Coding change: c.709C>T on transcript NM_001174150.2 (MANE Select); coding-DNA position 709, C replaced by T.
Protein change: p.Gln237Ter; replaces glutamine 237 with a stop codon.
Molecular consequence: nonsense. On other transcripts: non-coding transcript variant (2).
Genome position (GRCh38, 1-based): chr3:94,039,899, C>T. VCF-style: chr3-94039899-C-T. GRCh37 (hg19) VCF-style: chr3-93758743-C-T.
Other names: c.400C>T, p.Gln134Ter (NM_001174151.2); c.664C>T, p.Gln222Ter (NM_001321328.2); c.709C>T, p.Gln237Ter (NM_001410782.1, NM_182896.3); c.388C>T, p.Gln130Ter (NM_144996.4); short protein forms Q222*, Q237*, Q130*, Q134*.
Identifiers: ClinVar variation 3013775 (VCV003013775.4), dbSNP rs138982484, ClinGen allele CA2504142.

ClinVar aggregate classification (germline): Conflicting classifications of pathogenicity. Review status: criteria provided, conflicting classifications (1 of 4 stars). 2 submissions from 2 submitters: Pathogenic (1); Uncertain significance (1). Last evaluated 2023-09-09.

Conditions:
Joubert syndrome 8 (JBTS8). Identifiers: Orphanet 475, MedGen C2676771, MONDO:0012855, OMIM 612291.

Allele frequency attached by ClinVar (database versions not stated): TOPMed below 0.00001; ExAC 0.00001; gnomAD 0.00001; ESP Exome Variant Server 0.00008.
gnomAD v4.1: 18 of 1,613,834 alleles (0.0011%); highest among the groups gnomAD compares: Non-Finnish European, 0.0014%; no homozygotes.

Submissions (2):

Labcorp Genetics (formerly Invitae), Labcorp
Classification: Pathogenic for Joubert syndrome 8. Last evaluated: 2023-09-09. Review status: criteria provided, single submitter. Criteria: Invitae Variant Classification Sherloc (09022015). Collection method: clinical testing. Allele origin: germline.
Comment: This variant has not been reported in the literature in individuals affected with ARL13B-related conditions. This variant is present in population databases (rs138982484, gnomAD 0.0009%). This sequence change creates a premature translational stop signal (p.Gln237*) in the ARL13B gene. It is expected to result in an absent or disrupted protein product. Loss-of-function variants in ARL13B are known to be pathogenic (PMID: 18674751). For these reasons, this variant has been classified as Pathogenic.

Blueprint Genetics
Classification: Uncertain significance. Last evaluated: 2023-05-25. Review status: criteria provided, single submitter. Criteria: ACMG Guidelines, 2015. Collection method: clinical testing. Allele origin: germline.

Literature cited by the submitters: PubMed 18674751 (cited by Labcorp Genetics (formerly Invitae), Labcorp).